The following is an entry in ClinVar:

ClinVar aggregate classification (germline): Uncertain significance. Review status: criteria provided, single submitter (1 of 4 stars). 2 submissions from 2 submitters: Uncertain significance (1). 1 of the submissions does not count toward it. Last evaluated 2022-03-03.

Conditions:
Charcot-Marie-Tooth disease. Also called: Charcot-Marie-Tooth Neuropathy; Charcot-Marie-Tooth Hereditary Neuropathy. Identifiers: Orphanet 166, MedGen C0007959, MONDO:0015626.
Charcot-Marie-Tooth disease, type I (CMT1). Also called: Charcot-Marie-Tooth, Type 1; Charcot-Marie-Tooth disease type 1. Identifiers: Orphanet 65753, MedGen C0751036, MONDO:0019011.

Submissions (2):

Labcorp Genetics (formerly Invitae), Labcorp
Classification: Uncertain significance for Charcot-Marie-Tooth disease, type I. Last evaluated: 2022-03-03. Review status: criteria provided, single submitter. Criteria: Invitae Variant Classification Sherloc (09022015). Collection method: clinical testing. Allele origin: germline.
Comment: This variant is not present in population databases (gnomAD no frequency). In summary, the available evidence is currently insufficient to determine the role of this variant in disease. Therefore, it has been classified as a Variant of Uncertain Significance. Algorithms developed to predict the effect of missense changes on protein structure and function are either unavailable or do not agree on the potential impact of this missense change (SIFT: "Deleterious"; PolyPhen-2: "Probably Damaging"; Align-GVGD: "Class C0"). ClinVar contains an entry for this variant (Variation ID: 694892). This variant has not been reported in the literature in individuals affected with PMP22-related conditions. This sequence change replaces alanine, which is neutral and non-polar, with aspartic acid, which is acidic and polar, at codon 106 of the PMP22 protein (p.Ala106Asp).

Genesis Genome Database
Classification: Uncertain significance for Charcot-Marie-Tooth disease. Last evaluated: 2019-08-14. Review status: no assertion criteria provided. Collection method: research. Allele origin: germline. Affected: yes. Not counted in ClinVar's aggregate classification.

NM_000304.4(PMP22):c.317C>A (p.Ala106Asp)

Gene: PMP22 (peripheral myelin protein 22; minus strand). Cytogenetic location: 17p12.
Variant type: single nucleotide variant.
Coding change: c.317C>A on transcript NM_000304.4 (MANE Select); coding-DNA position 317, C replaced by A.
Protein change: p.Ala106Asp; replaces alanine 106 with aspartic acid.
Molecular consequence: missense variant. On other transcripts: non-coding transcript variant (2).
Genome position (GRCh38, 1-based): chr17:15,239,473, G>T on the plus strand (C>A on the coding strand, the complement: PMP22 is on the minus strand). VCF-style: chr17-15239473-G-T. GRCh37 (hg19) VCF-style: chr17-15142790-G-T.
Other names: c.317C>A, p.Ala106Asp (NM_001281455.2, NM_001281456.2, NM_001330143.2 and 2 more transcripts); short protein forms A106D.
Identifiers: ClinVar variation 694892 (VCV000694892.5), dbSNP rs1597607537, ClinGen allele CA398267382.